The following is an entry in ClinVar:

ClinVar aggregate classification (germline): Benign/Likely benign. Review status: criteria provided, multiple submitters, no conflicts (2 of 4 stars). 2 submissions from 2 submitters: Benign (1); Likely benign (1). Last evaluated 2025-11-06.

Allele frequency attached by ClinVar (database versions not stated): gnomAD exomes 0.00011 and 0.00021; gnomAD 0.00013 and 0.00015; TOPMed 0.00027; ExAC 0.00029; 1000 Genomes Project 30x 0.00031; 1000 Genomes Project 0.00040.
gnomAD v4.1: 185 of 1,564,748 alleles (0.012%); highest among the groups gnomAD compares: Middle Eastern, 0.12%; 2 homozygotes.

Submissions (2):

Labcorp Genetics (formerly Invitae), Labcorp
Classification: Likely benign. Last evaluated: 2025-11-06. Review status: criteria provided, single submitter. Criteria: Invitae Variant Classification Sherloc (09022015). Collection method: clinical testing. Allele origin: germline.

CeGaT Center for Human Genetics Tuebingen
Classification: Benign. Last evaluated: 2024-08-01. Review status: criteria provided, single submitter. Criteria: CeGaT Center For Human Genetics Tuebingen Variant Classification Criteria Version 2. Collection method: clinical testing. Allele origin: germline. Affected: yes. Observed: 1 variant allele.
Comment: DCHS1: BP4, BS1, BS2

NM_003737.4(DCHS1):c.9295C>T (p.Leu3099=)

Gene: DCHS1 (dachsous cadherin-related 1; minus strand). Cytogenetic location: 11p15.4.
Variant type: single nucleotide variant.
Coding change: c.9295C>T on transcript NM_003737.4 (MANE Select); coding-DNA position 9295, C replaced by T.
Protein change: p.Leu3099=; no amino-acid change (leucine 3099 retained).
Molecular consequence: synonymous variant.
Genome position (GRCh38, 1-based): chr11:6,622,381, G>A on the plus strand (C>T on the coding strand, the complement: DCHS1 is on the minus strand). VCF-style: chr11-6622381-G-A. GRCh37 (hg19) VCF-style: chr11-6643612-G-A.
Identifiers: ClinVar variation 722720 (VCV000722720.25), dbSNP rs546047071, ClinGen allele CA5859290.